The following is an entry in ClinVar:

NM_014946.4(SPAST):c.1226C>A (p.Ala409Glu)

Gene: SPAST (spastin; plus strand). Cytogenetic location: 2p22.3.
Variant type: single nucleotide variant.
Coding change: c.1226C>A on transcript NM_014946.4 (MANE Select); coding-DNA position 1226, C replaced by A.
Protein change: p.Ala409Glu; replaces alanine 409 with glutamic acid.
Molecular consequence: missense variant.
Genome position (GRCh38, 1-based): chr2:32,128,460, C>A. VCF-style: chr2-32128460-C-A. GRCh37 (hg19) VCF-style: chr2-32353529-C-A.
Other names: c.1223C>A, p.Ala408Glu (NM_001363823.2); c.1127C>A, p.Ala376Glu (NM_001363875.2); c.1130C>A, p.Ala377Glu (NM_001377959.1, NM_199436.2); short protein forms A377E, A376E, A408E, A409E.
Identifiers: ClinVar variation 1452772 (VCV001452772.8), dbSNP rs2148746390, ClinGen allele CA346501477.

ClinVar aggregate classification (germline): Pathogenic (1 of 4 stars; one submission).

Conditions:
Hereditary spastic paraplegia 4. Also called: Spastic paraplegia 4, autosomal dominant; Spastic Paraplegia 4; Familial spastic paraplegia autosomal dominant 2. Identifiers: Orphanet 100985, MedGen C1866855, MONDO:0008438, OMIM 182601.

Submission:

Labcorp Genetics (formerly Invitae), Labcorp
Classification: Pathogenic for Hereditary spastic paraplegia 4. Last evaluated: 2021-06-07. Review status: criteria provided, single submitter. Criteria: Invitae Variant Classification Sherloc (09022015). Collection method: clinical testing. Allele origin: germline.
Comment: This variant has been observed in individual(s) with clinical features of hereditary spastic paraplegia (Invitae). In at least one individual the variant was observed to be de novo. This variant is not present in population databases (ExAC no frequency). Advanced modeling of protein sequence and biophysical properties (such as structural, functional, and spatial information, amino acid conservation, physicochemical variation, residue mobility, and thermodynamic stability) performed at Invitae indicates that this missense variant is expected to disrupt SPAST protein function. For these reasons, this variant has been classified as Pathogenic. This variant disrupts the p.Ala409 amino acid residue in SPAST. Other variant(s) that disrupt this residue have been observed in individuals with SPAST-related conditions (PMID: 20932283, 31157359), which suggests that this may be a clinically significant amino acid residue. This sequence change replaces alanine with glutamic acid at codon 409 of the SPAST protein (p.Ala409Glu). The alanine residue is highly conserved and there is a moderate physicochemical difference between alanine and glutamic acid.

Literature cited by the submitters: PubMed 20932283; PubMed 31157359.